The following is an entry in ClinVar:

ClinVar aggregate classification (germline): Pathogenic. Review status: criteria provided, multiple submitters, no conflicts (2 of 4 stars). 2 submissions from 2 submitters: Pathogenic (2). Last evaluated 2025-04-07.

Conditions:
Anemia, congenital dyserythropoietic, type 1a (CDAN1A). Also called: DYSERYTHROPOIETIC ANEMIA, CONGENITAL, TYPE Ia; CDAN1-Related Congenital Dyserythropoietic Anemia. Identifiers: MedGen C5574667, MONDO:0009135, OMIM 224120.

Submissions (2):

Labcorp Genetics (formerly Invitae), Labcorp
Classification: Pathogenic. Last evaluated: 2025-04-07. Review status: criteria provided, single submitter. Criteria: Invitae Variant Classification Sherloc (09022015). Collection method: clinical testing. Allele origin: germline.
Comment: This sequence change creates a premature translational stop signal (p.Arg682*) in the CDAN1 gene. It is expected to result in an absent or disrupted protein product. Loss-of-function variants in CDAN1 are known to be pathogenic (PMID: 16098079, 16141353). This variant is present in population databases (rs375339408, gnomAD 0.005%). This premature translational stop signal has been observed in individual(s) with congenital dyserythropoietic anemia (PMID: 12434312). This variant is also known as 2158C>T (R680X). ClinVar contains an entry for this variant (Variation ID: 3577121). For these reasons, this variant has been classified as Pathogenic.

Fulgent Genetics
Classification: Pathogenic for Anemia, congenital dyserythropoietic, type 1a. Last evaluated: 2024-02-07. Review status: criteria provided, single submitter. Criteria: ACMG Guidelines, 2015. Collection method: clinical testing. Allele origin: germline.

Literature cited by the submitters: PubMed 16098079 (cited by Labcorp Genetics (formerly Invitae), Labcorp); PubMed 16141353 (cited by Labcorp Genetics (formerly Invitae), Labcorp); PubMed 12434312 (cited by Labcorp Genetics (formerly Invitae), Labcorp).

NM_138477.4(CDAN1):c.2044C>T (p.Arg682Ter)

Gene: CDAN1 (codanin 1; minus strand). Cytogenetic location: 15q15.2.
Variant type: single nucleotide variant.
Coding change: c.2044C>T on transcript NM_138477.4 (MANE Select); coding-DNA position 2044, C replaced by T.
Protein change: p.Arg682Ter; replaces arginine 682 with a stop codon.
Molecular consequence: nonsense.
Genome position (GRCh38, 1-based): chr15:42,730,728, G>A on the plus strand (C>T on the coding strand, the complement: CDAN1 is on the minus strand). VCF-style: chr15-42730728-G-A. GRCh37 (hg19) VCF-style: chr15-43022926-G-A.
Other names: short protein forms R682*.
Identifiers: ClinVar variation 3577121 (VCV003577121.2), dbSNP rs375339408.
Genomic context (GRCh38, chr15:42,730,728, plus strand): 5'-AGGAGAGAAACTCCACCAGCCAGGGCACGGTGAGCACCGCCCGGCGGGCCTGCAGCCCTC[G>A]CTGCAGCAGAGTCCGCACATCCAGGACCGGAGGGACCTGGGAGGGCCAGAGCTCAGTCAG-3'